The following is an entry in ClinVar:

ClinVar aggregate classification (germline): Conflicting classifications of pathogenicity. Review status: criteria provided, conflicting classifications (1 of 4 stars). 3 submissions from 3 submitters: Uncertain significance (2); Likely benign (1). Last evaluated 2025-12-05.

Conditions:
Inborn genetic diseases. Identifiers: MedGen C0950123, MeSH D030342.
Glycogen storage disease IV, classic hepatic. Also called: GSD IV, CLASSIC HEPATIC. Identifiers: MedGen C1856301.
Glycogen storage disease, type IV (GSD4). Also called: AMYLOPECTINOSIS; ANDERSEN DISEASE; CIRRHOSIS, FAMILIAL, WITH DEPOSITION OF ABNORMAL GLYCOGEN; Glycogen storage disease due to glycogen branching enzyme deficiency; BRANCHER DEFICIENCY; GBE1 DEFICIENCY. Identifiers: Orphanet 367, MedGen C0017923, MONDO:0009292, OMIM 232500.

Allele frequency attached by ClinVar (database versions not stated): gnomAD 0.00002; TOPMed 0.00004; ExAC 0.00009; ESP Exome Variant Server 0.00017.
gnomAD v4.1: 89 of 1,609,880 alleles (0.0055%); highest among the groups gnomAD compares: Admixed American, 0.02%; no homozygotes.

Submissions (3):

Mayo Clinic Laboratories, Mayo Clinic
Classification: Uncertain significance. Last evaluated: 2025-12-05. Review status: criteria provided, single submitter. Criteria: ACMG Guidelines, 2015. Collection method: clinical testing. Allele origin: germline. Observed: 1 variant allele.
Comment: BP4_moderate

Labcorp Genetics (formerly Invitae), Labcorp
Classification: Likely benign for Glycogen storage disease, type IV; Glycogen storage disease IV, classic hepatic. Last evaluated: 2025-10-03. Review status: criteria provided, single submitter. Criteria: Invitae Variant Classification Sherloc (09022015). Collection method: clinical testing. Allele origin: germline.

Ambry Genetics
Classification: Uncertain significance for Inborn genetic diseases. Last evaluated: 2024-03-01. Review status: criteria provided, single submitter. Criteria: Ambry Variant Classification Scheme 2023. Collection method: clinical testing. Allele origin: germline.

NM_000158.4(GBE1):c.1964C>T (p.Ala655Val)

Gene: GBE1 (1,4-alpha-glucan branching enzyme 1; minus strand). Cytogenetic location: 3p12.2.
Variant type: single nucleotide variant.
Coding change: c.1964C>T on transcript NM_000158.4 (MANE Select); coding-DNA position 1964, C replaced by T.
Protein change: p.Ala655Val; replaces alanine 655 with valine.
Molecular consequence: missense variant.
Genome position (GRCh38, 1-based): chr3:81,499,198, G>A on the plus strand (C>T on the coding strand, the complement: GBE1 is on the minus strand). VCF-style: chr3-81499198-G-A. GRCh37 (hg19) VCF-style: chr3-81548349-G-A.
Other names: p.Ala655Val; c.1964C>T (NM_000158.3); short protein forms A655V.
Identifiers: ClinVar variation 1085098 (VCV001085098.9), dbSNP rs377105672, ClinGen allele CA2499503.